The following is an entry in ClinVar:

NM_002474.3(MYH11):c.5125G>C (p.Glu1709Gln)

Genes: MYH11 (myosin heavy chain 11; minus strand), NDE1 (nudE neurodevelopment protein 1; plus strand). Cytogenetic location: 16p13.11.
Variant type: single nucleotide variant.
Coding change: c.5125G>C on transcript NM_002474.3 (MANE Select); coding-DNA position 5125, G replaced by C.
Protein change: p.Glu1709Gln; replaces glutamic acid 1709 with glutamine.
Molecular consequence: missense variant. On other transcripts: intron variant (2).
Genome position (GRCh38, 1-based): chr16:15,719,266, C>G on the plus strand (G>C on the coding strand, the complement: MYH11 is on the minus strand). VCF-style: chr16-15719266-C-G. GRCh37 (hg19) VCF-style: chr16-15813123-C-G.
Other names: c.5146G>C, p.Glu1716Gln (NM_001040113.2, NM_001040114.2); c.5125G>C, p.Glu1709Gln (NM_022844.3); c.948-4925C>G (NM_001143979.2, NM_017668.3); short protein forms E1709Q, E1716Q.
Identifiers: ClinVar variation 2773796 (VCV002773796.2), dbSNP rs769202751, ClinGen allele CA394850844.

ClinVar aggregate classification (germline): Uncertain significance (1 of 4 stars; one submission).

Conditions:
Familial thoracic aortic aneurysm and aortic dissection (TAAD). Also called: Thoracic aortic aneurysms and dissections. Identifiers: Orphanet 91387, MedGen C4707243, MONDO:0019625.

Submission:

Color Diagnostics, LLC DBA Color Health
Classification: Uncertain significance for Familial thoracic aortic aneurysm and aortic dissection. Last evaluated: 2024-03-06. Review status: criteria provided, single submitter. Criteria: ACMG Guidelines, 2015. Collection method: clinical testing. Allele origin: germline.
Comment: This missense variant replaces glutamic acid with glutamine at codon 1716 of the MYH11 protein. Computational prediction is inconclusive regarding the impact of this variant on protein structure and function (internally defined REVEL score threshold 0.5 < inconclusive < 0.7, PMID: 27666373). To our knowledge, functional studies have not been reported for this variant. This variant has not been reported in individuals affected with cardiovascular disorders in the literature. This variant has not been identified in the general population by the Genome Aggregation Database (gnomAD). The available evidence is insufficient to determine the role of this variant in disease conclusively. Therefore, this variant is classified as a Variant of Uncertain Significance.